The following is an entry in ClinVar:

NM_000122.2(ERCC3):c.1436A>G (p.Asp479Gly)

Gene: ERCC3 (ERCC excision repair 3, TFIIH core complex helicase subunit; minus strand). Cytogenetic location: 2q14.3.
Variant type: single nucleotide variant.
Coding change: c.1436A>G on transcript NM_000122.2 (MANE Select); coding-DNA position 1436, A replaced by G.
Protein change: p.Asp479Gly; replaces aspartic acid 479 with glycine.
Molecular consequence: missense variant.
Genome position (GRCh38, 1-based): chr2:127,280,538, T>C on the plus strand (A>G on the coding strand, the complement: ERCC3 is on the minus strand). VCF-style: chr2-127280538-T-C. GRCh37 (hg19) VCF-style: chr2-128038114-T-C.
Other names: c.1244A>G, p.Asp415Gly (NM_001303416.2, NM_001303418.2); short protein forms D415G, D479G.
Identifiers: ClinVar variation 1354050 (VCV001354050.8), dbSNP rs1684874806, ClinGen allele CA348389246.

ClinVar aggregate classification (germline): Uncertain significance (1 of 4 stars; one submission).

Allele frequency attached by ClinVar (database versions not stated): gnomAD exomes below 0.00001; TOPMed below 0.00001.

Submission:

Labcorp Genetics (formerly Invitae), Labcorp
Classification: Uncertain significance. Last evaluated: 2021-05-26. Review status: criteria provided, single submitter. Criteria: Invitae Variant Classification Sherloc (09022015). Collection method: clinical testing. Allele origin: germline.
Comment: This sequence change replaces aspartic acid with glycine at codon 479 of the ERCC3 protein (p.Asp479Gly). The aspartic acid residue is highly conserved and there is a moderate physicochemical difference between aspartic acid and glycine. This variant is not present in population databases (ExAC no frequency). This variant has not been reported in the literature in individuals with ERCC3-related conditions. Algorithms developed to predict the effect of missense changes on protein structure and function (SIFT, PolyPhen-2, Align-GVGD) all suggest that this variant is likely to be disruptive, but these predictions have not been confirmed by published functional studies and their clinical significance is uncertain. In summary, the available evidence is currently insufficient to determine the role of this variant in disease. Therefore, it has been classified as a Variant of Uncertain Significance.